The following is an entry in ClinVar:

NM_001348716.2(KDM6B):c.1443A>G (p.Pro481=)

Gene: KDM6B (lysine demethylase 6B; plus strand). Cytogenetic location: 17p13.1.
Variant type: single nucleotide variant.
Coding change: c.1443A>G on transcript NM_001348716.2 (MANE Select); coding-DNA position 1443, A replaced by G.
Protein change: p.Pro481=; no amino-acid change (proline 481 retained).
Molecular consequence: synonymous variant.
Genome position (GRCh38, 1-based): chr17:7,847,731, A>G. VCF-style: chr17-7847731-A-G. GRCh37 (hg19) VCF-style: chr17-7751049-A-G.
Other names: c.1443A>G, p.Pro481= (NM_001080424.2); c.1443A>G (NM_001080424.1).
Identifiers: ClinVar variation 2851291 (VCV002851291.5), dbSNP rs570635238, ClinGen allele CA8360653.
Genomic context (GRCh38, chr17:7,847,731, plus strand): 5'-GCCACCTGGACCTTCCTCACCCCCTCCACCCCCCTGTCCCCGCCTCTTACGCCCCCCACC[A>G]CCCCCTGCCTGGTTGAAGGGTCCGGCCTGCCGGGCAGCCCGAGAGGATGGAGAGATCTTA-3'
Protein context (NP_001335645.1, residues 471-491): PPCPRLLRPP[Pro481=]PPAWLKGPAC

ClinVar aggregate classification (germline): Likely benign. Review status: criteria provided, single submitter (1 of 4 stars). 2 submissions from 2 submitters: Likely benign (1). 1 of the submissions does not count toward it. Last evaluated 2023-11-14.

Conditions:
KDM6B-related disorder. Also called: KDM6B-related condition.

Allele frequency attached by ClinVar (database versions not stated): gnomAD exomes 0.00039; ExAC 0.00040; 1000 Genomes Project 0.00180; 1000 Genomes Project 30x 0.00234; gnomAD 0.01997.

Submissions (2):

Labcorp Genetics (formerly Invitae), Labcorp
Classification: Likely benign. Last evaluated: 2023-11-14. Review status: criteria provided, single submitter. Criteria: Invitae Variant Classification Sherloc (09022015). Collection method: clinical testing. Allele origin: germline.

PreventionGenetics, part of Exact Sciences
Classification: Benign for KDM6B-related condition. Last evaluated: 2019-02-21. Review status: no assertion criteria provided. Collection method: clinical testing. Allele origin: germline. Not counted in ClinVar's aggregate classification.
Comment: This variant is classified as benign based on ACMG/AMP sequence variant interpretation guidelines (Richards et al. 2015 PMID: 25741868, with internal and published modifications).